The following is an entry in ClinVar:

NM_005055.5(RAPSN):c.769C>T (p.Arg257Trp)

Gene: RAPSN (receptor associated protein of the synapse; minus strand). Cytogenetic location: 11p11.2.
Variant type: single nucleotide variant.
Coding change: c.769C>T on transcript NM_005055.5 (MANE Select); coding-DNA position 769, C replaced by T.
Protein change: p.Arg257Trp; replaces arginine 257 with tryptophan.
Molecular consequence: missense variant.
Genome position (GRCh38, 1-based): chr11:47,441,843, G>A on the plus strand (C>T on the coding strand, the complement: RAPSN is on the minus strand). VCF-style: chr11-47441843-G-A. GRCh37 (hg19) VCF-style: chr11-47463395-G-A.
Other names: c.769C>T, p.Arg257Trp (NM_032645.5); short protein forms R257W.
Identifiers: ClinVar variation 970718 (VCV000970718.7), dbSNP rs753956536, ClinGen allele CA5976646.

ClinVar aggregate classification (germline): Uncertain significance. Review status: criteria provided, single submitter (1 of 4 stars). 2 submissions from 2 submitters: Uncertain significance (1). 1 of the submissions does not count toward it. Last evaluated 2022-09-07.

Conditions:
Congenital myasthenic syndrome (CMS). Also called: Congenital Myasthenic Syndromes. Identifiers: Orphanet 590, MedGen C0751882, MeSH D020294, MONDO:0018940.
Fetal akinesia deformation sequence 1 (FADS1). Also called: Pena-Shokeir syndrome type I; Fetal akinesia sequence. Identifiers: Orphanet 994, MedGen C1276035, MONDO:0100101, OMIM 208150, HP:0001989.
Congenital myasthenic syndrome 11. Also called: Myasthenic syndrome, congenital, 11, associated with acetylcholine receptor deficiency; MYASTHENIC SYNDROME, CONGENITAL, Ie. Identifiers: Orphanet 590, MedGen C4225367, MONDO:0014588, OMIM 616326.

Allele frequency attached by ClinVar (database versions not stated): gnomAD 0.00002 and 0.00001; TOPMed 0.00002; gnomAD exomes 0.00001 and 0.00004; ExAC 0.00009.

Submissions (2):

Labcorp Genetics (formerly Invitae), Labcorp
Classification: Uncertain significance for Congenital myasthenic syndrome 11; Fetal akinesia deformation sequence 1. Last evaluated: 2022-09-07. Review status: criteria provided, single submitter. Criteria: Invitae Variant Classification Sherloc (09022015). Collection method: clinical testing. Allele origin: germline.
Comment: This sequence change replaces arginine, which is basic and polar, with tryptophan, which is neutral and slightly polar, at codon 257 of the RAPSN protein (p.Arg257Trp). The frequency data for this variant in the population databases is considered unreliable, as metrics indicate poor data quality at this position in the gnomAD database. This variant has not been reported in the literature in individuals affected with RAPSN-related conditions. ClinVar contains an entry for this variant (Variation ID: 970718). Algorithms developed to predict the effect of missense changes on protein structure and function are either unavailable or do not agree on the potential impact of this missense change (SIFT: "Deleterious"; PolyPhen-2: "Probably Damaging"; Align-GVGD: "Class C0"). In summary, the available evidence is currently insufficient to determine the role of this variant in disease. Therefore, it has been classified as a Variant of Uncertain Significance.

Natera, Inc.
Classification: Uncertain significance for Congenital myasthenic syndrome. Last evaluated: 2021-07-29. Review status: no assertion criteria provided. Collection method: clinical testing. Allele origin: germline. Not counted in ClinVar's aggregate classification.